The following is an entry in ClinVar:

NM_001165963.4(SCN1A):c.2644A>T (p.Ile882Phe)

Gene: SCN1A (sodium voltage-gated channel alpha subunit 1; minus strand). Cytogenetic location: 2q24.3.
Variant type: single nucleotide variant.
Coding change: c.2644A>T on transcript NM_001165963.4 (MANE Select); coding-DNA position 2644, A replaced by T.
Protein change: p.Ile882Phe; replaces isoleucine 882 with phenylalanine.
Molecular consequence: missense variant. On other transcripts: non-coding transcript variant (1).
Genome position (GRCh38, 1-based): chr2:166,038,078, T>A on the plus strand (A>T on the coding strand, the complement: SCN1A is on the minus strand). VCF-style: chr2-166038078-T-A. GRCh37 (hg19) VCF-style: chr2-166894588-T-A.
Other names: c.2560A>T, p.Ile854Phe (NM_001165964.3, NM_001353957.2, NM_001353958.2); c.2644A>T, p.Ile882Phe (NM_001202435.3, NM_001353948.2); c.2611A>T, p.Ile871Phe (NM_001353949.2, NM_001353950.2, NM_001353951.2 and 2 more transcripts); c.2608A>T, p.Ile870Phe (NM_001353954.2, NM_001353955.2); c.2557A>T, p.Ile853Phe (NM_001353960.2); c.202A>T, p.Ile68Phe (NM_001353961.2); short protein forms I871F, I882F, I854F, I68F, I853F, I870F.
Identifiers: ClinVar variation 424525 (VCV000424525.2), dbSNP rs1064797019, ClinGen allele CA16617304.
Genomic context (GRCh38, chr2:166,038,078, plus strand): 5'-AGACGATGATGGCCAAGACGAGGGTTAAATTTCCCAGAGCCCCCACGGAATTGCCGATGA[T>A]CTTTATTAGCATATTTAACGTTGGCCAAGATTTTGCCAACTTGAAAACTCGCAGCTGGAA-3'
Protein context (NP_001159435.1, residues 872-892): SWPTLNMLIK[Ile882Phe]IGNSVGALGN

ClinVar aggregate classification (germline): Likely pathogenic (1 of 4 stars; one submission).

Submission:

GeneDx
Classification: Likely pathogenic. Last evaluated: 2017-03-27. Review status: criteria provided, single submitter. Criteria: GeneDx Variant Classification (06012015). Collection method: clinical testing. Allele origin: germline. Affected: yes.
Comment: The I882F variant in the SCN1A gene has been reported previously as c.2644A>T in one individual who was enrolled in a fenfluramine treatment study for individuals with Dravet syndrome (Ceulemans et al., 2016). The I882F variant is not observed in large population cohorts (Lek et al., 2016; 1000 Genomes Consortium et al., 2015; Exome Variant Server). The I882F variant is a conservative amino acid substitution, which is not likely to impact secondary protein structure as these residues share similar properties, however, this substitution occurs at a position that is conserved across species. In silico analysis predicts this variant is probably damaging to the protein structure/function. Missense variants in nearby residues (L879P, G884D) have been reported in the Human Gene Mutation Database in association with Dravet syndrome (Stenson et al., 2014), supporting the functional importance of this region of the protein. Therefore, the I882F variant is considered to be a likely pathogenic variant.